The following is an entry in ClinVar:

NM_212482.4(FN1):c.692G>A (p.Cys231Tyr)

Gene: FN1 (fibronectin 1; minus strand). Cytogenetic location: 2q35.
Variant type: single nucleotide variant.
Coding change: c.692G>A on transcript NM_212482.4 (MANE Select); coding-DNA position 692, G replaced by A.
Protein change: p.Cys231Tyr; replaces cysteine 231 with tyrosine.
Molecular consequence: missense variant.
Genome position (GRCh38, 1-based): chr2:215,428,332, C>T on the plus strand (G>A on the coding strand, the complement: FN1 is on the minus strand). VCF-style: chr2-215428332-C-T. GRCh37 (hg19) VCF-style: chr2-216293055-C-T.
Other names: c.692G>A, p.Cys231Tyr (NM_001306129.2, NM_001306130.2, NM_001306131.2 and 14 more transcripts); short protein forms C231Y.
Identifiers: ClinVar variation 1521666 (VCV001521666.6), dbSNP rs2106488910, ClinGen allele CA350474400.

ClinVar aggregate classification (germline): Uncertain significance (1 of 4 stars; one submission).

Submission:

Labcorp Genetics (formerly Invitae), Labcorp
Classification: Uncertain significance. Last evaluated: 2021-08-25. Review status: criteria provided, single submitter. Criteria: Invitae Variant Classification Sherloc (09022015). Collection method: clinical testing. Allele origin: germline.
Comment: In summary, the available evidence is currently insufficient to determine the role of this variant in disease. Therefore, it has been classified as a Variant of Uncertain Significance. This variant disrupts the p.Cys231 amino acid residue in FN1. Other variant(s) that disrupt this residue have been determined to be pathogenic (PMID: 30599297). This suggests that this residue is clinically significant, and that variants that disrupt this residue are likely to be disease-causing. Algorithms developed to predict the effect of missense changes on protein structure and function are either unavailable or do not agree on the potential impact of this missense change (SIFT: "Not Available"; PolyPhen-2: "Probably Damaging"; Align-GVGD: "Not Available"). This variant has not been reported in the literature in individuals with FN1-related conditions. This variant is not present in population databases (ExAC no frequency). This sequence change replaces cysteine with tyrosine at codon 231 of the FN1 protein (p.Cys231Tyr). The cysteine residue is highly conserved and there is a large physicochemical difference between cysteine and tyrosine.

Literature cited by the submitters: PubMed 30599297.